The following is an entry in ClinVar:

NM_001440.4(EXTL3):c.958G>C (p.Val320Leu)

Gene: EXTL3 (exostosin like glycosyltransferase 3; plus strand). Cytogenetic location: 8p21.1.
Variant type: single nucleotide variant.
Coding change: c.958G>C on transcript NM_001440.4 (MANE Select); coding-DNA position 958, G replaced by C.
Protein change: p.Val320Leu; replaces valine 320 with leucine.
Molecular consequence: missense variant.
Genome position (GRCh38, 1-based): chr8:28,717,017, G>C. VCF-style: chr8-28717017-G-C. GRCh37 (hg19) VCF-style: chr8-28574534-G-C.
Other names: c.958G>C (NM_001440.2); short protein forms V320L.
Identifiers: ClinVar variation 2414748 (VCV002414748.5), dbSNP rs148151365, ClinGen allele CA4696106.

ClinVar aggregate classification (germline): Uncertain significance. Review status: criteria provided, multiple submitters, no conflicts (2 of 4 stars). 2 submissions from 2 submitters: Uncertain significance (2). Last evaluated 2025-02-17.

Conditions:
Inborn genetic diseases. Identifiers: MedGen C0950123, MeSH D030342.

Allele frequency attached by ClinVar (database versions not stated): ExAC 0.00002; TOPMed 0.00002; ESP Exome Variant Server 0.00008.
gnomAD v4.1: 16 of 1,614,192 alleles (0.00099%); highest among the groups gnomAD compares: South Asian, 0.0099%; no homozygotes.

Submissions (2):

Labcorp Genetics (formerly Invitae), Labcorp
Classification: Uncertain significance. Last evaluated: 2025-02-17. Review status: criteria provided, single submitter. Criteria: Invitae Variant Classification Sherloc (09022015). Collection method: clinical testing. Allele origin: germline.
Comment: This sequence change replaces valine, which is neutral and non-polar, with leucine, which is neutral and non-polar, at codon 320 of the EXTL3 protein (p.Val320Leu). This variant is present in population databases (rs148151365, gnomAD 0.006%). This variant has not been reported in the literature in individuals affected with EXTL3-related conditions. ClinVar contains an entry for this variant (Variation ID: 2414748). Invitae Evidence Modeling of protein sequence and biophysical properties (such as structural, functional, and spatial information, amino acid conservation, physicochemical variation, residue mobility, and thermodynamic stability) indicates that this missense variant is not expected to disrupt EXTL3 protein function with a negative predictive value of 80%. In summary, the available evidence is currently insufficient to determine the role of this variant in disease. Therefore, it has been classified as a Variant of Uncertain Significance.

Ambry Genetics
Classification: Uncertain significance for Inborn genetic diseases. Last evaluated: 2024-10-20. Review status: criteria provided, single submitter. Criteria: Ambry Variant Classification Scheme 2023. Collection method: clinical testing. Allele origin: germline.